The following is an entry in ClinVar:

ClinVar aggregate classification (germline): Benign/Likely benign. Review status: criteria provided, multiple submitters, no conflicts (2 of 4 stars). 8 submissions from 8 submitters: Benign (2); Likely benign (6). Last evaluated 2026-08-01.

Allele frequency attached by ClinVar (database versions not stated): gnomAD 0.00017; gnomAD exomes 0.00017 and 0.00092; TOPMed 0.00045; ExAC 0.00076; 1000 Genomes Project 0.00020; 1000 Genomes Project 30x 0.00016.
gnomAD v4.1: 279 of 1,610,268 alleles (0.017%); highest among the groups gnomAD compares: Admixed American, 0.43%; no homozygotes.

Submissions (8):

CeGaT Center for Human Genetics Tuebingen
Classification: Likely benign. Last evaluated: 2026-08-01. Review status: criteria provided, single submitter. Criteria: CeGaT Center For Human Genetics Tuebingen Variant Classification Criteria Version 2. Collection method: clinical testing. Allele origin: germline. Affected: yes. Observed: 6 variant alleles.
Comment: TTN: BP4, BP7

Molecular Diagnostic Laboratory for Inherited Cardiovascular Disease, Montreal Heart Institute
Classification: Likely benign. Last evaluated: 2025-04-09. Review status: criteria provided, single submitter. Criteria: ACMG Guidelines, 2015. Collection method: clinical testing. Allele origin: germline. Affected: no.

Blueprint Genetics
Classification: Likely benign. Last evaluated: 2024-11-14. Review status: criteria provided, single submitter. Criteria: ACMG Guidelines, 2015. Collection method: clinical testing. Allele origin: germline.

ARUP Laboratories, Molecular Genetics and Genomics, ARUP Laboratories
Classification: Likely benign. Last evaluated: 2021-09-13. Review status: criteria provided, single submitter. Criteria: ARUP Molecular Germline Variant Investigation Process 2021. Collection method: clinical testing. Allele origin: germline.

Eurofins Ntd Llc (ga)
Classification: Benign. Last evaluated: 2017-01-06. Review status: criteria provided, single submitter. Criteria: EGL Classification Definitions 2015. Collection method: clinical testing. Allele origin: germline. Observed: 3 variant alleles, 3 heterozygotes.

Laboratory for Molecular Medicine, Mass General Brigham Personalized Medicine
Classification: Likely benign. Last evaluated: 2015-08-27. Review status: criteria provided, single submitter. Criteria: LMM Criteria. Collection method: clinical testing. Allele origin: germline. Observed: 5 variant alleles.
Comment: p.Gln5327Gln in exon 45A of TTN: This variant is not expected to have clinical s ignificance because it does not alter an amino acid residue and is not located w ithin the splice consensus sequence. It has been identified in 0.8% (90/11352) o f Latino chromosomes by the Exome Aggregation Consortium (ExAC; dbSNP rs186841908).

GeneDx
Classification: Benign. Last evaluated: 2015-04-20. Review status: criteria provided, single submitter. Criteria: GeneDx Variant Classification (06012015). Collection method: clinical testing. Allele origin: germline. Affected: yes.
Comment: This variant is considered likely benign or benign based on one or more of the following criteria: it is a conservative change, it occurs at a poorly conserved position in the protein, it is predicted to be benign by multiple in silico algorithms, and/or has population frequency not consistent with disease.

Breakthrough Genomics
Classification: Likely benign. Review status: criteria provided, single submitter. Criteria: ACMG Guidelines, 2015. Collection method: not provided. Allele origin: germline. Inheritance: Autosomal recessive inheritance. Affected: yes.

NM_133379.5(TTN):c.15981G>A (p.Gln5327=)

Gene: TTN (titin; minus strand). Cytogenetic location: 2q31.2.
Variant type: single nucleotide variant.
Coding change: c.15981G>A on transcript NM_133379.5; coding-DNA position 15981, G replaced by A.
Protein change: p.Gln5327=; no amino-acid change (glutamine 5327 retained).
Molecular consequence: synonymous variant. On other transcripts: intron variant (6).
Genome position (GRCh38, 1-based): chr2:178,746,419, C>T on the plus strand (G>A on the coding strand, the complement: TTN is on the minus strand). VCF-style: chr2-178746419-C-T. GRCh37 (hg19) VCF-style: chr2-179611146-C-T.
Other names: c.10361-4498G>A (NM_001256850.1); c.10223-4498G>A (NM_003319.4); c.10799-4498G>A (NM_133437.4); c.10598-4498G>A (NM_133432.3); c.10360+6705G>A (NM_133378.4); c.11312-4498G>A (NM_001267550.2); c.15981G>A (NM_133379.4).
Identifiers: ClinVar variation 47791 (VCV000047791.27), dbSNP rs186841908, ClinGen allele CA141904.
Genomic context (GRCh38, chr2:178,746,419, plus strand): 5'-TAGACTCACAATCATACTTTTATGGTCAGGAGTAAATTCGGGAACTGTCACTATTTTCAC[C>T]TGCTTCTCAAATTCTTTAACGTCTTTTTCACTTAATTCAACTTCCAGGACAATTTCTTGA-3'